The following is an entry in ClinVar:

NM_199334.5(THRA):c.536A>G (p.Asn179Ser)

Gene: THRA (thyroid hormone receptor alpha; plus strand). Cytogenetic location: 17q21.1.
Variant type: single nucleotide variant.
Coding change: c.536A>G on transcript NM_199334.5 (MANE Select); coding-DNA position 536, A replaced by G.
Protein change: p.Asn179Ser; replaces asparagine 179 with serine.
Molecular consequence: missense variant.
Genome position (GRCh38, 1-based): chr17:40,084,775, A>G. VCF-style: chr17-40084775-A-G. GRCh37 (hg19) VCF-style: chr17-38241028-A-G.
Other names: c.536A>G, p.Asn179Ser (NM_001190918.2, NM_001190919.2, NM_003250.6); short protein forms N179S.
Identifiers: ClinVar variation 2647733 (VCV002647733.24), dbSNP rs141907695, ClinGen allele CA8539161.
Genomic context (GRCh38, chr17:40,084,775, plus strand): 5'-AGCCCACTCCTGAAGAGTGGGATCTGATCCACATTGCCACAGAGGCCCATCGCAGCACCA[A>G]TGCCCAGGGCAGCCATTGGAAACAGAGGCGGAAATTCCTGGTAAGGAGAAAGGGGGCATG-3'
Protein context (NP_955366.1, residues 169-189): HIATEAHRST[Asn179Ser]AQGSHWKQRR

ClinVar aggregate classification (germline): Uncertain significance (1 of 4 stars; one submission).

Allele frequency attached by ClinVar (database versions not stated): gnomAD exomes below 0.00001; ExAC 0.00001; ESP Exome Variant Server 0.00008.
gnomAD v4.1: 2 of 1,614,054 alleles (0.00012%); highest among the groups gnomAD compares: Middle Eastern, 0.017%; no homozygotes.

Submission:

CeGaT Center for Human Genetics Tuebingen
Classification: Uncertain significance. Last evaluated: 2022-08-01. Review status: criteria provided, single submitter. Criteria: CeGaT Center For Human Genetics Tuebingen Variant Classification Criteria Version 2. Collection method: clinical testing. Allele origin: germline. Affected: yes. Observed: 1 variant allele.
Comment: THRA: PM2, PP2